The following is an entry in ClinVar:

NM_002470.4(MYH3):c.3535C>G (p.Leu1179Val)

Gene: MYH3 (myosin heavy chain 3; minus strand). Cytogenetic location: 17p13.1.
Variant type: single nucleotide variant.
Coding change: c.3535C>G on transcript NM_002470.4 (MANE Select); coding-DNA position 3535, C replaced by G.
Protein change: p.Leu1179Val; replaces leucine 1179 with valine.
Molecular consequence: missense variant.
Genome position (GRCh38, 1-based): chr17:10,638,237, G>C on the plus strand (C>G on the coding strand, the complement: MYH3 is on the minus strand). VCF-style: chr17-10638237-G-C. GRCh37 (hg19) VCF-style: chr17-10541554-G-C.
Other names: short protein forms L1179V.
Identifiers: ClinVar variation 321736 (VCV000321736.16), dbSNP rs375904355, ClinGen allele CA8392485.

ClinVar aggregate classification (germline): Conflicting classifications of pathogenicity. Review status: criteria provided, conflicting classifications (1 of 4 stars). 6 submissions from 5 submitters: Uncertain significance (4); Benign (2). Last evaluated 2026-01-24.

Conditions:
Inborn genetic diseases. Identifiers: MedGen C0950123, MeSH D030342.
Freeman-Sheldon syndrome (DA2A). Also called: CRANIOCARPOTARSAL DYSPLASIA; CRANIOCARPOTARSAL DYSTROPHY; WHISTLING FACE-WINDMILL VANE HAND SYNDROME; Arthrogryposis, distal, type 2A (Freeman-Sheldon). Identifiers: Orphanet 2053, MedGen C0265224, MONDO:0008675, OMIM 193700.
Distal arthrogryposis type 2B1 (DA2B1). Also called: Arthrogryposis multiplex congenita distal type II with craniofacial abnormalities. Identifiers: Orphanet 1147, MedGen C5193014, MONDO:0020820, OMIM 601680.

Allele frequency attached by ClinVar (database versions not stated): TOPMed 0.00012; gnomAD 0.00013; ESP Exome Variant Server 0.00015; 1000 Genomes Project 30x 0.00016; 1000 Genomes Project 0.00020.
gnomAD v4.1: 47 of 1,613,894 alleles (0.0029%); highest among the groups gnomAD compares: African/African-American, 0.06%; no homozygotes.

Submissions (6):

Labcorp Genetics (formerly Invitae), Labcorp
Classification: Benign. Last evaluated: 2026-01-24. Review status: criteria provided, single submitter. Criteria: Invitae Variant Classification Sherloc (09022015). Collection method: clinical testing. Allele origin: germline.

Women's Health and Genetics/Laboratory Corporation of America, LabCorp
Classification: Uncertain significance. Last evaluated: 2025-10-23. Review status: criteria provided, single submitter. Criteria: LabCorp Variant Classification Summary - May 2015. Collection method: clinical testing. Allele origin: germline.
Comment: Variant summary: MYH3 c.3535C>G (p.Leu1179Val) results in a conservative amino acid change in the encoded protein sequence. Algorithms developed to predict the effect of missense changes on protein structure and function are either unavailable or do not agree on the potential impact of this missense change. The variant allele was found at a frequency of 4e-05 in 251458 control chromosomes. This frequency is not significantly higher than estimated for disease-causing variants in MYH3, allowing no conclusion about variant significance. To our knowledge, no occurrence of c.3535C>G in individuals affected with MYH3-related conditions and no experimental evidence demonstrating its impact on protein function have been reported. ClinVar contains an entry for this variant (Variation ID: 321736). Based on the evidence outlined above, the variant was classified as uncertain significance.

Ambry Genetics
Classification: Uncertain significance for Inborn genetic diseases. Last evaluated: 2024-11-09. Review status: criteria provided, single submitter. Criteria: Ambry Variant Classification Scheme 2023. Collection method: clinical testing. Allele origin: germline.

GeneDx
Classification: Uncertain significance. Last evaluated: 2024-05-06. Review status: criteria provided, single submitter. Criteria: GeneDx Variant Classification Process June 2021. Collection method: clinical testing. Allele origin: germline. Affected: yes.
Comment: In silico analysis supports that this missense variant has a deleterious effect on protein structure/function; Has not been previously published as pathogenic or benign to our knowledge

Illumina Laboratory Services, Illumina
Classification: Benign for Freeman-Sheldon syndrome. Last evaluated: 2018-01-12. Review status: criteria provided, single submitter. Criteria: ICSL Variant Classification Criteria 13 December 2019. Collection method: clinical testing. Allele origin: germline.
Comment: This variant was observed in the ICSL laboratory as part of a predisposition screen in an ostensibly healthy population. It had not been previously curated by ICSL or reported in the Human Gene Mutation Database (HGMD: prior to June 1st, 2018), and was therefore a candidate for classification through an automated scoring system. Utilizing variant allele frequency, disease prevalence and penetrance estimates, and inheritance mode, an automated score was calculated to assess if this variant is too frequent to cause the disease. Based on the score and internal cut-off values, a variant classified as benign is not then subjected to further curation. The score for this variant resulted in a classification of benign for this disease.

Illumina Laboratory Services, Illumina
Classification: Uncertain significance for Distal arthrogryposis type 2B1. Last evaluated: 2018-01-12. Review status: criteria provided, single submitter. Criteria: ICSL Variant Classification Criteria 13 December 2019. Collection method: clinical testing. Allele origin: germline.